The following is an entry in ClinVar:

NM_017813.5(BPNT2):c.8C>T (p.Pro3Leu)

Genes: BPNT2 (3'(2'), 5'-bisphosphate nucleotidase 2; minus strand), LOC130000433 (ATAC-STARR-seq lymphoblastoid silent region 19212; plus strand). Cytogenetic location: 8q12.1.
Variant type: single nucleotide variant.
Coding change: c.8C>T on transcript NM_017813.5 (MANE Select); coding-DNA position 8, C replaced by T.
Protein change: p.Pro3Leu; replaces proline 3 with leucine.
Molecular consequence: missense variant.
Genome position (GRCh38, 1-based): chr8:56,993,578, G>A on the plus strand (C>T on the coding strand, the complement: BPNT2 is on the minus strand). VCF-style: chr8-56993578-G-A. GRCh37 (hg19) VCF-style: chr8-57906137-G-A.
Other names: short protein forms P3L.
Identifiers: ClinVar variation 2041121 (VCV002041121.3), dbSNP rs1445242968, ClinGen allele CA371386597.

ClinVar aggregate classification (germline): Uncertain significance (1 of 4 stars; one submission).

Allele frequency attached by ClinVar (database versions not stated): gnomAD 0.00001; TOPMed 0.00001; gnomAD exomes 0.00004.
gnomAD v4.1: 58 of 1,449,848 alleles (0.004%); highest among the groups gnomAD compares: Non-Finnish European, 0.0047%; no homozygotes.

Submission:

Labcorp Genetics (formerly Invitae), Labcorp
Classification: Uncertain significance. Last evaluated: 2022-10-18. Review status: criteria provided, single submitter. Criteria: Invitae Variant Classification Sherloc (09022015). Collection method: clinical testing. Allele origin: germline.
Comment: This variant has not been reported in the literature in individuals affected with IMPAD1-related conditions. Algorithms developed to predict the effect of missense changes on protein structure and function are either unavailable or do not agree on the potential impact of this missense change (SIFT: "Tolerated"; PolyPhen-2: "Probably Damaging"; Align-GVGD: "Class C0"). In summary, the available evidence is currently insufficient to determine the role of this variant in disease. Therefore, it has been classified as a Variant of Uncertain Significance. The frequency data for this variant in the population databases is considered unreliable, as metrics indicate poor data quality at this position in the gnomAD database. This sequence change replaces proline, which is neutral and non-polar, with leucine, which is neutral and non-polar, at codon 3 of the IMPAD1 protein (p.Pro3Leu).